The following is an entry in ClinVar:

NM_001330078.2(NRXN1):c.684C>T (p.Cys228=)

Gene: NRXN1 (neurexin 1; minus strand). Cytogenetic location: 2p16.3.
Variant type: single nucleotide variant.
Coding change: c.684C>T on transcript NM_001330078.2 (MANE Select); coding-DNA position 684, C replaced by T.
Protein change: p.Cys228=; no amino-acid change (cysteine 228 retained).
Molecular consequence: synonymous variant.
Genome position (GRCh38, 1-based): chr2:51,027,590, G>A on the plus strand (C>T on the coding strand, the complement: NRXN1 is on the minus strand). VCF-style: chr2-51027590-G-A. GRCh37 (hg19) VCF-style: chr2-51254728-G-A.
Other names: c.684C>T, p.Cys228= (NM_001135659.3, NM_001330077.2, NM_001330079.2 and 15 more transcripts).
Identifiers: ClinVar variation 380982 (VCV000380982.1), dbSNP rs1057520920, ClinGen allele CA16604637.

ClinVar aggregate classification (germline): Likely benign (1 of 4 stars; one submission).

Submission:

GeneDx
Classification: Likely benign. Last evaluated: 2015-10-07. Review status: criteria provided, single submitter. Criteria: GeneDx Variant Classification (06012015). Collection method: clinical testing. Allele origin: germline. Affected: yes.
Comment: This variant is considered likely benign or benign based on one or more of the following criteria: it is a conservative change, it occurs at a poorly conserved position in the protein, it is predicted to be benign by multiple in silico algorithms, and/or has population frequency not consistent with disease.